The following is an entry in ClinVar:

NM_004369.4(COL6A3):c.7177C>T (p.Pro2393Ser)

Gene: COL6A3 (collagen type VI alpha 3 chain; minus strand). Cytogenetic location: 2q37.3.
Variant type: single nucleotide variant.
Coding change: c.7177C>T on transcript NM_004369.4 (MANE Select); coding-DNA position 7177, C replaced by T.
Protein change: p.Pro2393Ser; replaces proline 2393 with serine.
Molecular consequence: missense variant.
Genome position (GRCh38, 1-based): chr2:237,344,841, G>A on the plus strand (C>T on the coding strand, the complement: COL6A3 is on the minus strand). VCF-style: chr2-237344841-G-A. GRCh37 (hg19) VCF-style: chr2-238253484-G-A.
Other names: c.5356C>T, p.Pro1786Ser (NM_057166.5); c.6559C>T, p.Pro2187Ser (NM_057167.4); short protein forms P1786S, P2187S, P2393S.
Identifiers: ClinVar variation 1034549 (VCV001034549.9), dbSNP rs778720252, ClinGen allele CA2187853.

ClinVar aggregate classification (germline): Uncertain significance (1 of 4 stars; one submission).

Conditions:
Bethlem myopathy 1A. Also called: Bethlem Muscular Dystrophy; MYOPATHY, BENIGN CONGENITAL, WITH CONTRACTURES; Bethlem myopathy 1. Identifiers: Orphanet 610, MedGen CN029274, MONDO:0024530, OMIM 158810.

Allele frequency attached by ClinVar (database versions not stated): gnomAD exomes below 0.00001; ExAC 0.00001; gnomAD 0.00002; TOPMed 0.00002.
gnomAD v4.1: 14 of 1,613,216 alleles (0.00087%); highest among the groups gnomAD compares: Admixed American, 0.0017%; no homozygotes.

Submission:

Labcorp Genetics (formerly Invitae), Labcorp
Classification: Uncertain significance for Bethlem myopathy 1A. Last evaluated: 2022-02-23. Review status: criteria provided, single submitter. Criteria: Invitae Variant Classification Sherloc (09022015). Collection method: clinical testing. Allele origin: germline.
Comment: This sequence change replaces proline, which is neutral and non-polar, with serine, which is neutral and polar, at codon 2393 of the COL6A3 protein (p.Pro2393Ser). This variant is present in population databases (rs778720252, gnomAD 0.008%). This variant has not been reported in the literature in individuals affected with COL6A3-related conditions. ClinVar contains an entry for this variant (Variation ID: 1034549). Algorithms developed to predict the effect of missense changes on protein structure and function are either unavailable or do not agree on the potential impact of this missense change (SIFT: "Tolerated"; PolyPhen-2: "Not Available"; Align-GVGD: "Class C0"). In summary, the available evidence is currently insufficient to determine the role of this variant in disease. Therefore, it has been classified as a Variant of Uncertain Significance.